The following is an entry in ClinVar:

NM_024642.5(GALNT12):c.885G>T (p.Arg295Ser)

Gene: GALNT12 (polypeptide N-acetylgalactosaminyltransferase 12; plus strand). Cytogenetic location: 9q22.33.
Variant type: single nucleotide variant.
Coding change: c.885G>T on transcript NM_024642.5 (MANE Select); coding-DNA position 885, G replaced by T.
Protein change: p.Arg295Ser; replaces arginine 295 with serine.
Molecular consequence: missense variant.
Genome position (GRCh38, 1-based): chr9:98,831,925, G>T. VCF-style: chr9-98831925-G-T. GRCh37 (hg19) VCF-style: chr9-101594207-G-T.
Other names: short protein forms R295S.
Identifiers: ClinVar variation 1764922 (VCV001764922.3), dbSNP rs1191090728, ClinGen allele CA374218320.

ClinVar aggregate classification (germline): Uncertain significance (1 of 4 stars; one submission).

Submission:

Ambry Genetics
Classification: Uncertain significance. Last evaluated: 2024-12-15. Review status: criteria provided, single submitter. Criteria: Ambry Variant Classification Scheme 2023. Collection method: clinical testing. Allele origin: germline.
Comment: The p.R295S variant (also known as c.885G>T), located in coding exon 4 of the GALNT12 gene, results from a G to T substitution at nucleotide position 885. The arginine at codon 295 is replaced by serine, an amino acid with dissimilar properties. This amino acid position is conserved. In addition, this alteration is predicted to be tolerated by in silico analysis. Since supporting evidence is limited at this time, the clinical significance of this alteration remains unclear.